The following is an entry in ClinVar:

NM_001040716.2(PC):c.196A>G (p.Ile66Val)

Gene: PC (pyruvate carboxylase; minus strand). Cytogenetic location: 11q13.2.
Variant type: single nucleotide variant.
Coding change: c.196A>G on transcript NM_001040716.2 (MANE Select); coding-DNA position 196, A replaced by G.
Protein change: p.Ile66Val; replaces isoleucine 66 with valine.
Molecular consequence: missense variant.
Genome position (GRCh38, 1-based): chr11:66,871,812, T>C on the plus strand (A>G on the coding strand, the complement: PC is on the minus strand). VCF-style: chr11-66871812-T-C. GRCh37 (hg19) VCF-style: chr11-66639283-T-C.
Other names: c.196A>G, p.Ile66Val (NM_000920.4, NM_022172.3); short protein forms I66V.
Identifiers: ClinVar variation 1418274 (VCV001418274.8), dbSNP rs1409511654, ClinGen allele CA381503045.

ClinVar aggregate classification (germline): Uncertain significance (1 of 4 stars; one submission).

Conditions:
Pyruvate carboxylase deficiency. Also called: LEIGH NECROTIZING ENCEPHALOPATHY DUE TO PYRUVATE CARBOXYLASE DEFICIENCY; LEIGH SYNDROME DUE TO PYRUVATE CARBOXYLASE DEFICIENCY; PC DEFICIENCY; Pyruvate Carboxylase Deficiency Disease; ATAXIA WITH LACTIC ACIDOSIS II. Identifiers: Orphanet 3008, MedGen C0034341, MONDO:0009949, OMIM 266150.

Allele frequency attached by ClinVar (database versions not stated): gnomAD exomes below 0.00001.

Submission:

Labcorp Genetics (formerly Invitae), Labcorp
Classification: Uncertain significance for Pyruvate carboxylase deficiency. Last evaluated: 2025-01-27. Review status: criteria provided, single submitter. Criteria: Invitae Variant Classification Sherloc (09022015). Collection method: clinical testing. Allele origin: germline.
Comment: This sequence change replaces isoleucine, which is neutral and non-polar, with valine, which is neutral and non-polar, at codon 66 of the PC protein (p.Ile66Val). This variant is present in population databases (no rsID available, gnomAD 0.0009%). This variant has not been reported in the literature in individuals affected with PC-related conditions. ClinVar contains an entry for this variant (Variation ID: 1418274). Invitae Evidence Modeling of protein sequence and biophysical properties (such as structural, functional, and spatial information, amino acid conservation, physicochemical variation, residue mobility, and thermodynamic stability) indicates that this missense variant is not expected to disrupt PC protein function with a negative predictive value of 95%. In summary, the available evidence is currently insufficient to determine the role of this variant in disease. Therefore, it has been classified as a Variant of Uncertain Significance.